The following is an entry in ClinVar:

NM_000349.3(STAR):c.548A>G (p.Asp183Gly)

Gene: STAR (steroidogenic acute regulatory protein; minus strand). Cytogenetic location: 8p11.23.
Variant type: single nucleotide variant.
Coding change: c.548A>G on transcript NM_000349.3 (MANE Select); coding-DNA position 548, A replaced by G.
Protein change: p.Asp183Gly; replaces aspartic acid 183 with glycine.
Molecular consequence: missense variant.
Genome position (GRCh38, 1-based): chr8:38,146,065, T>C on the plus strand (A>G on the coding strand, the complement: STAR is on the minus strand). VCF-style: chr8-38146065-T-C. GRCh37 (hg19) VCF-style: chr8-38003583-T-C.
Other names: short protein forms D183G.
Identifiers: ClinVar variation 3346010 (VCV003346010.1).

ClinVar aggregate classification (germline): Uncertain significance (0 of 4 stars; one submission).

Conditions:
STAR-related disorder. Also called: STAR-related condition.

Submission:

PreventionGenetics, part of Exact Sciences
Classification: Uncertain significance for STAR-related condition. Last evaluated: 2024-04-24. Review status: no assertion criteria provided. Collection method: clinical testing. Allele origin: germline.
Comment: The STAR c.548A>G variant is predicted to result in the amino acid substitution p.Asp183Gly. To our knowledge, this variant has not been reported in the literature or in a large population database, indicating this variant is rare. At this time, the clinical significance of this variant is uncertain due to the absence of conclusive functional and genetic evidence.